The following is an entry in ClinVar:

ClinVar aggregate classification (germline): Pathogenic (1 of 4 stars; one submission).

Submission:

Labcorp Genetics (formerly Invitae), Labcorp
Classification: Pathogenic. Last evaluated: 2022-08-01. Review status: criteria provided, single submitter. Criteria: Invitae Variant Classification Sherloc (09022015). Collection method: clinical testing. Allele origin: germline.
Comment: For these reasons, this variant has been classified as Pathogenic. This sequence change creates a premature translational stop signal (p.Arg618Glnfs*13) in the SETD5 gene. It is expected to result in an absent or disrupted protein product. Loss-of-function variants in SETD5 are known to be pathogenic (PMID: 24680889). This variant is not present in population databases (gnomAD no frequency). This variant has not been reported in the literature in individuals affected with SETD5-related conditions.

Literature cited by the submitters: PubMed 24680889.

NM_001080517.3(SETD5):c.1853del (p.Arg618fs)

Gene: SETD5 (SET domain containing 5; plus strand). Cytogenetic location: 3p25.3.
Variant type: Deletion.
Coding change: c.1853del on transcript NM_001080517.3 (MANE Select); coding-DNA position 1853, one base deleted (G; older notation c.1853delG).
Protein change: p.Arg618fs; shifts the reading frame from arginine 618.
Molecular consequence: frameshift variant.
Genome position (GRCh38, 1-based): chr3:9,447,756, G deleted. VCF-style (leftmost placement, unchanged base first): chr3-9447755-CG-C. GRCh37 (hg19) VCF-style: chr3-9489439-CG-C.
Other names: c.1559del, p.Arg520fs (NM_001292043.2, NM_001349451.2); short protein forms R520fs, R618fs.
Identifiers: ClinVar variation 2020944 (VCV002020944.4), dbSNP rs2472966631, ClinGen allele CA2580070670.